The following is an entry in ClinVar:

NM_020207.7(ERCC6L2):c.1214A>G (p.Glu405Gly)

Gene: ERCC6L2 (ERCC excision repair 6 like 2; plus strand). Cytogenetic location: 9q22.32.
Variant type: single nucleotide variant.
Coding change: c.1214A>G on transcript NM_020207.7 (MANE Select); coding-DNA position 1214, A replaced by G.
Protein change: p.Glu405Gly; replaces glutamic acid 405 with glycine.
Molecular consequence: missense variant. On other transcripts: non-coding transcript variant (1).
Genome position (GRCh38, 1-based): chr9:95,921,230, A>G. VCF-style: chr9-95921230-A-G. GRCh37 (hg19) VCF-style: chr9-98683512-A-G.
Other names: c.1214A>G, p.Glu405Gly (NM_001010895.4, NM_001375291.1, NM_001375292.1 and 2 more transcripts); short protein forms E405G.
Identifiers: ClinVar variation 3681014 (VCV003681014.3).

ClinVar aggregate classification (germline): Uncertain significance. Review status: criteria provided, multiple submitters, no conflicts (2 of 4 stars). 2 submissions from 2 submitters: Uncertain significance (2). Last evaluated 2025-11-24.

Conditions:
Inborn genetic diseases. Identifiers: MedGen C0950123, MeSH D030342.

gnomAD v4.1: 1 of 1,613,548 alleles (0.000062%); highest among the groups gnomAD compares: Admixed American, 0.0017%; no homozygotes.

Submissions (2):

Ambry Genetics
Classification: Uncertain significance for Inborn genetic diseases. Last evaluated: 2025-11-24. Review status: criteria provided, single submitter. Criteria: Ambry Variant Classification Scheme 2023. Collection method: clinical testing. Allele origin: germline.
Comment: The p.E405G variant (also known as c.1214A>G), located in coding exon 7 of the ERCC6L2 gene, results from an A to G substitution at nucleotide position 1214. The glutamic acid at codon 405 is replaced by glycine, an amino acid with similar properties. This amino acid position is conserved. In addition, this alteration is predicted to be tolerated by in silico analysis. Based on the available evidence, the clinical significance of this variant remains unclear.

Labcorp Genetics (formerly Invitae), Labcorp
Classification: Uncertain significance. Last evaluated: 2024-04-27. Review status: criteria provided, single submitter. Criteria: Invitae Variant Classification Sherloc (09022015). Collection method: clinical testing. Allele origin: germline.
Comment: This sequence change replaces glutamic acid, which is acidic and polar, with glycine, which is neutral and non-polar, at codon 416 of the ERCC6L2 protein (p.Glu416Gly). This variant is present in population databases (rs777953933, gnomAD 0.003%). This variant has not been reported in the literature in individuals affected with ERCC6L2-related conditions. Experimental studies and prediction algorithms are not available or were not evaluated, and the functional significance of this variant is currently unknown. In summary, the available evidence is currently insufficient to determine the role of this variant in disease. Therefore, it has been classified as a Variant of Uncertain Significance.